The following is an entry in ClinVar:

ClinVar aggregate classification (germline): Uncertain significance. Review status: criteria provided, multiple submitters, no conflicts (2 of 4 stars). 3 submissions from 3 submitters: Uncertain significance (3). Last evaluated 2024-12-16.

Conditions:
Inborn genetic diseases. Identifiers: MedGen C0950123, MeSH D030342.
Methylmalonic aciduria and homocystinuria type cblF. Also called: COBALAMIN F DISEASE; COBALAMIN, DEFECT IN LYSOSOMAL RELEASE OF; METHYLMALONIC ACIDEMIA AND HOMOCYSTINURIA, cblF TYPE; METHYLMALONIC ACIDURIA DUE TO VITAMIN B12-RELEASE DEFECT; VITAMIN B12 LYSOSOMAL RELEASE DEFECT; VITAMIN B12 STORAGE DISEASE. Identifiers: Orphanet 79284, MedGen C1848578, MONDO:0010183, OMIM 277380.

Allele frequency attached by ClinVar (database versions not stated): gnomAD exomes 0.00002; ExAC 0.00003; gnomAD 0.00009 and 0.00010; TOPMed 0.00013; ESP Exome Variant Server 0.00015.
gnomAD v4.1: 38 of 1,612,590 alleles (0.0024%); highest among the groups gnomAD compares: African/African-American, 0.032%; no homozygotes.

Submissions (3):

Labcorp Genetics (formerly Invitae), Labcorp
Classification: Uncertain significance for Methylmalonic aciduria and homocystinuria type cblF. Last evaluated: 2024-12-16. Review status: criteria provided, single submitter. Criteria: Invitae Variant Classification Sherloc (09022015). Collection method: clinical testing. Allele origin: germline.
Comment: This sequence change replaces alanine, which is neutral and non-polar, with threonine, which is neutral and polar, at codon 230 of the LMBRD1 protein (p.Ala230Thr). This variant is present in population databases (rs376081191, gnomAD 0.03%). This variant has not been reported in the literature in individuals affected with LMBRD1-related conditions. ClinVar contains an entry for this variant (Variation ID: 658537). Invitae Evidence Modeling of protein sequence and biophysical properties (such as structural, functional, and spatial information, amino acid conservation, physicochemical variation, residue mobility, and thermodynamic stability) indicates that this missense variant is not expected to disrupt LMBRD1 protein function with a negative predictive value of 80%. In summary, the available evidence is currently insufficient to determine the role of this variant in disease. Therefore, it has been classified as a Variant of Uncertain Significance.

Ambry Genetics
Classification: Uncertain significance for Inborn genetic diseases. Last evaluated: 2021-09-16. Review status: criteria provided, single submitter. Criteria: Ambry Variant Classification Scheme 2023. Collection method: clinical testing. Allele origin: germline.

Breakthrough Genomics
Classification: Uncertain significance. Review status: criteria provided, single submitter. Criteria: ACMG Guidelines, 2015. Collection method: not provided. Allele origin: germline. Inheritance: Autosomal recessive inheritance. Affected: yes.

NM_018368.4(LMBRD1):c.688G>A (p.Ala230Thr)

Gene: LMBRD1 (LMBR1 domain containing 1; minus strand). Cytogenetic location: 6q13.
Variant type: single nucleotide variant.
Coding change: c.688G>A on transcript NM_018368.4 (MANE Select); coding-DNA position 688, G replaced by A.
Protein change: p.Ala230Thr; replaces alanine 230 with threonine.
Molecular consequence: missense variant.
Genome position (GRCh38, 1-based): chr6:69,719,030, C>T on the plus strand (G>A on the coding strand, the complement: LMBRD1 is on the minus strand). VCF-style: chr6-69719030-C-T. GRCh37 (hg19) VCF-style: chr6-70428922-C-T.
Other names: c.469G>A, p.Ala157Thr (NM_001363722.2, NM_001367271.1, NM_001367272.1); short protein forms A230T, A157T.
Identifiers: ClinVar variation 658537 (VCV000658537.7), dbSNP rs376081191, ClinGen allele CA3879811.